The following is an entry in ClinVar:

NM_001199397.3(NEK1):c.3033G>A (p.Pro1011=)

Gene: NEK1 (NIMA related kinase 1; minus strand). Cytogenetic location: 4q33.
Variant type: single nucleotide variant.
Coding change: c.3033G>A on transcript NM_001199397.3 (MANE Select); coding-DNA position 3033, G replaced by A.
Protein change: p.Pro1011=; no amino-acid change (proline 1011 retained).
Molecular consequence: synonymous variant. On other transcripts: non-coding transcript variant (1).
Genome position (GRCh38, 1-based): chr4:169,424,742, C>T on the plus strand (G>A on the coding strand, the complement: NEK1 is on the minus strand). VCF-style: chr4-169424742-C-T. GRCh37 (hg19) VCF-style: chr4-170345893-C-T.
Other names: p.Pro1011=; c.2901G>A, p.Pro967= (NM_001199398.3); c.2742G>A, p.Pro914= (NM_001199399.3); c.2817G>A, p.Pro939= (NM_001199400.3); c.3033G>A, p.Pro1011= (NM_001374418.1); c.2949G>A, p.Pro983= (NM_001374419.1, NM_012224.4); c.2898G>A, p.Pro966= (NM_001374420.1); c.2550G>A, p.Pro850= (NM_001374421.1); and 1 more.
Identifiers: ClinVar variation 348098 (VCV000348098.18), dbSNP rs7655924, ClinGen allele CA3137253.

ClinVar aggregate classification (germline): Benign. Review status: criteria provided, multiple submitters, no conflicts (2 of 4 stars). 7 submissions from 7 submitters: Benign (6). 1 of the submissions does not count toward it. Last evaluated 2026-02-04.

Conditions:
Short-rib thoracic dysplasia 6 with or without polydactyly (SRTD6). Also called: POLYDACTYLY WITH NEONATAL CHONDRODYSTROPHY, TYPE II; Majewski Syndrome; SHORT RIB-POLYDACTYLY SYNDROME, TYPE IIA; SHORT-RIB THORACIC DYSPLASIA 6 WITH POLYDACTYLY; SHORT-RIB THORACIC DYSPLASIA 6 WITHOUT POLYDACTYLY. Identifiers: MedGen C0024507, MONDO:0009894, OMIM 263520.

Allele frequency attached by ClinVar (database versions not stated): gnomAD exomes 0.06537 and 0.06965; ExAC 0.07281; gnomAD 0.08894 and 0.09091; ESP Exome Variant Server 0.08962; TOPMed 0.09181; 1000 Genomes Project 0.09944; 1000 Genomes Project 30x 0.10150.
gnomAD v4.1: 109,327 of 1,613,538 alleles (6.8%); highest among the groups gnomAD compares: African/African-American, 16%; 4,331 homozygotes.

Submissions (7):

Labcorp Genetics (formerly Invitae), Labcorp
Classification: Benign for Short-rib thoracic dysplasia 6 with or without polydactyly. Last evaluated: 2026-02-04. Review status: criteria provided, single submitter. Criteria: Invitae Variant Classification Sherloc (09022015). Collection method: clinical testing. Allele origin: germline.

Mayo Clinic Laboratories, Mayo Clinic
Classification: Benign. Last evaluated: 2022-03-09. Review status: criteria provided, single submitter. Criteria: ACMG Guidelines, 2015. Collection method: clinical testing. Allele origin: germline. Observed: 9 variant alleles.

Illumina Laboratory Services, Illumina
Classification: Benign for Short-rib thoracic dysplasia 6 with or without polydactyly. Last evaluated: 2018-01-13. Review status: criteria provided, single submitter. Criteria: ICSL Variant Classification Criteria 13 December 2019. Collection method: clinical testing. Allele origin: germline.
Comment: This variant was observed in the ICSL laboratory as part of a predisposition screen in an ostensibly healthy population. It had not been previously curated by ICSL or reported in the Human Gene Mutation Database (HGMD: prior to June 1st, 2018), and was therefore a candidate for classification through an automated scoring system. Utilizing variant allele frequency, disease prevalence and penetrance estimates, and inheritance mode, an automated score was calculated to assess if this variant is too frequent to cause the disease. Based on the score and internal cut-off values, a variant classified as benign is not then subjected to further curation. The score for this variant resulted in a classification of benign for this disease.

GeneDx
Classification: Benign. Last evaluated: 2016-05-09. Review status: criteria provided, single submitter. Criteria: GeneDx Variant Classification (06012015). Collection method: clinical testing. Allele origin: germline. Affected: yes.
Comment: This variant is considered likely benign or benign based on one or more of the following criteria: it is a conservative change, it occurs at a poorly conserved position in the protein, it is predicted to be benign by multiple in silico algorithms, and/or has population frequency not consistent with disease.

Clinical Genetics DNA and cytogenetics Diagnostics Lab, Erasmus MC, Erasmus Medical Center
Classification: Benign for Short-rib thoracic dysplasia 6 with or without polydactyly. Last evaluated: 2015-09-21. Review status: criteria provided, single submitter. Criteria: ACGS Guidelines, 2013. Collection method: clinical testing. Allele origin: germline. Affected: yes. Study: VKGL Data-share Consensus.

Breakthrough Genomics
Classification: Benign. Review status: criteria provided, single submitter. Criteria: ACMG Guidelines, 2015. Collection method: not provided. Allele origin: germline. Inheritance: Autosomal recessive inheritance. Affected: yes.

Clinical Genetics, Academic Medical Center
Classification: Benign. Review status: no assertion criteria provided. Collection method: clinical testing. Allele origin: germline. Affected: yes. Study: VKGL Data-share Consensus. Not counted in ClinVar's aggregate classification.